The following is an entry in ClinVar:

NM_001370466.1(NOD2):c.800C>G (p.Thr267Ser)

Gene: NOD2 (nucleotide binding oligomerization domain containing 2; plus strand). Cytogenetic location: 16q12.1.
Variant type: single nucleotide variant.
Coding change: c.800C>G on transcript NM_001370466.1 (MANE Select); coding-DNA position 800, C replaced by G.
Protein change: p.Thr267Ser; replaces threonine 267 with serine.
Molecular consequence: missense variant. On other transcripts: non-coding transcript variant (1).
Genome position (GRCh38, 1-based): chr16:50,710,792, C>G. VCF-style: chr16-50710792-C-G. GRCh37 (hg19) VCF-style: chr16-50744703-C-G.
Other names: c.881C>G (LRG_177t1); c.800C>G, p.Thr267Ser (NM_001293557.2); c.881C>G, p.Thr294Ser (NM_022162.3); short protein forms T294S, T267S.
Identifiers: ClinVar variation 97883 (VCV000097883.36), dbSNP rs104895425, ClinGen allele CA150348.

ClinVar aggregate classification (germline): Conflicting classifications of pathogenicity. Review status: criteria provided, conflicting classifications (1 of 4 stars). 9 submissions from 8 submitters: Uncertain significance (1); Benign (3); Likely benign (4). 1 of the submissions does not count toward it. Last evaluated 2026-01-07.

Conditions:
Inflammatory bowel disease 1 (IBD1). Also called: Inflammatory bowel disease 1, Crohn disease; INFLAMMATORY BOWEL DISEASE (CROHN DISEASE) 1. Identifiers: MedGen CN260071, MONDO:0009960, OMIM 266600.
Autoinflammatory syndrome. Identifiers: Orphanet 93665, MedGen C3890737, MONDO:0019751.
Blau syndrome (BLAUS). Also called: GRANULOMATOSIS, FAMILIAL JUVENILE SYSTEMIC; GRANULOMATOSIS, FAMILIAL, BLAU TYPE; GRANULOMATOUS INFLAMMATORY ARTHRITIS, DERMATITIS, AND UVEITIS, FAMILIAL; JABS SYNDROME; ARTHROCUTANEOUVEAL GRANULOMATOSIS. Identifiers: Orphanet 90340, MedGen C5201146, MONDO:0008523, OMIM 186580.
Regional enteritis. Also called: Enteritis, Granulomatous. Identifiers: MedGen C0678202, MeSH D003424.

Allele frequency attached by ClinVar (database versions not stated): 1000 Genomes Project 0.00060; 1000 Genomes Project 30x 0.00062; gnomAD 0.00152 and 0.00153; ExAC 0.00160; gnomAD exomes 0.00186; ESP Exome Variant Server 0.00008; TOPMed 0.00017.

Submissions (9):

Labcorp Genetics (formerly Invitae), Labcorp
Classification: Benign for Regional enteritis; Blau syndrome. Last evaluated: 2026-01-07. Review status: criteria provided, single submitter. Criteria: Invitae Variant Classification Sherloc (09022015). Collection method: clinical testing. Allele origin: germline.

CeGaT Center for Human Genetics Tuebingen
Classification: Likely benign. Last evaluated: 2025-07-01. Review status: criteria provided, single submitter. Criteria: CeGaT Center For Human Genetics Tuebingen Variant Classification Criteria Version 2. Collection method: clinical testing. Allele origin: germline. Affected: yes. Observed: 2 variant alleles.
Comment: NOD2: BP4, BS1

Mayo Clinic Laboratories, Mayo Clinic
Classification: Likely benign. Last evaluated: 2025-01-08. Review status: criteria provided, single submitter. Criteria: ACMG Guidelines, 2015. Collection method: clinical testing. Allele origin: germline. Observed: 1 variant allele.
Comment: BS1

Blueprint Genetics
Classification: Likely benign. Last evaluated: 2024-10-01. Review status: criteria provided, single submitter. Criteria: ACMG Guidelines, 2015. Collection method: clinical testing. Allele origin: germline.

GeneDx
Classification: Likely benign. Last evaluated: 2021-04-08. Review status: criteria provided, single submitter. Criteria: GeneDx Variant Classification Process June 2021. Collection method: clinical testing. Allele origin: germline. Affected: yes.
Comment: See Variant Classification Assertion Criteria.

Genome Diagnostics Laboratory, The Hospital for Sick Children
Classification: Benign for Autoinflammatory syndrome. Last evaluated: 2021-02-09. Review status: criteria provided, single submitter. Criteria: ACMG Guidelines, 2015. Collection method: clinical testing. Allele origin: germline. Affected: yes.

Illumina Laboratory Services, Illumina
Classification: Uncertain significance for Inflammatory bowel disease 1. Last evaluated: 2018-03-06. Review status: criteria provided, single submitter. Criteria: ICSL Variant Classification Criteria 13 December 2019. Collection method: clinical testing. Allele origin: germline.

Illumina Laboratory Services, Illumina
Classification: Benign for Blau syndrome. Last evaluated: 2018-03-06. Review status: criteria provided, single submitter. Criteria: ICSL Variant Classification Criteria 13 December 2019. Collection method: clinical testing. Allele origin: germline.
Comment: This variant was observed in the ICSL laboratory as part of a predisposition screen in an ostensibly healthy population. It had not been previously curated by ICSL or reported in the Human Gene Mutation Database (HGMD: prior to June 1st, 2018), and was therefore a candidate for classification through an automated scoring system. Utilizing variant allele frequency, disease prevalence and penetrance estimates, and inheritance mode, an automated score was calculated to assess if this variant is too frequent to cause the disease. Based on the score and internal cut-off values, a variant classified as benign is not then subjected to further curation. The score for this variant resulted in a classification of benign for this disease.

Unité médicale des maladies autoinflammatoires, CHRU Montpellier
No classification provided. Condition: Sarcoidosis, early-onset. Review status: no classification provided. Collection method: not provided. Allele origin: unknown. Not counted in ClinVar's aggregate classification.
Comment: also involved in OMIM 186580 and 266600

Literature cited by the submitters: PubMed 11385576 (cited by Mayo Clinic Laboratories, Mayo Clinic).